The following is an entry in ClinVar:

ClinVar aggregate classification (germline): Conflicting classifications of pathogenicity. Review status: criteria provided, conflicting classifications (1 of 4 stars). 5 submissions from 5 submitters: Uncertain significance (3); Likely benign (2). Last evaluated 2025-05-19.

Conditions:
Hereditary cancer-predisposing syndrome. Also called: Tumor predisposition; Hereditary neoplastic syndrome; Neoplastic Syndromes, Hereditary; Hereditary Cancer Syndrome. Identifiers: Orphanet 140162, MedGen C0027672, MeSH D009386, MONDO:0015356.
Hereditary breast ovarian cancer syndrome. Also called: Hereditary breast and ovarian cancer; Hereditary breast and ovarian cancer syndrome (HBOC); Hereditary breast and ovarian cancer syndrome; Breast and ovarian cancer; BRCA1- and BRCA2-Associated Hereditary Breast and Ovarian Cancer; Hereditary breast and/or ovarian cancer syndrome. Identifiers: Orphanet 145, MedGen C0677776, MeSH D061325, MONDO:0003582. Disease mechanism: loss of function.
Breast-ovarian cancer, familial, susceptibility to, 2 (BROVCA2). Also called: BRCA2 Hereditary Breast and Ovarian Cancer. Identifiers: Orphanet 145, MedGen C2675520, MONDO:0012933, OMIM 612555. Disease mechanism: loss of function.

Submissions (5):

Dasa
Classification: Uncertain significance for Breast-ovarian cancer, familial, susceptibility to, 2. Last evaluated: 2025-05-19. Review status: criteria provided, single submitter. Criteria: DASA Assertion Criteria. Collection method: clinical testing. Allele origin: germline.
Comment: NM_000059.4(BRCA2):c.3084A>C (p.Lys1028Asn) is a missense variant that results in the substitution of lysine with asparagine. This variant is absent from population databases. The currently available literature and clinical evidence are not sufficient to establish a definitive association between this variant and the reported condition. Therefore, this variant is classified as a variant of uncertain significance.

Center for Genomic Medicine, Rigshospitalet, Copenhagen University Hospital
Classification: Likely benign. Last evaluated: 2025-03-04. Review status: criteria provided, single submitter. Criteria: ACMG Guidelines, 2015. Collection method: clinical testing. Allele origin: germline.

University of Washington Department of Laboratory Medicine, University of Washington
Classification: Likely benign for Hereditary cancer-predisposing syndrome. Last evaluated: 2023-03-23. Review status: criteria provided, single submitter. Criteria: Dines et al. (Genet Med. 2020). Collection method: curation. Allele origin: germline.
Comment: Missense variant in a coldspot region where missense variants are very unlikely to be pathogenic (PMID:31911673).

BRCA2 exon 11 coldspot. Reclassification based on statistical prior probability.

Labcorp Genetics (formerly Invitae), Labcorp
Classification: Uncertain significance for Hereditary breast ovarian cancer syndrome. Last evaluated: 2022-09-19. Review status: criteria provided, single submitter. Criteria: Invitae Variant Classification Sherloc (09022015). Collection method: clinical testing. Allele origin: germline.
Comment: This variant is not present in population databases (gnomAD no frequency). This sequence change replaces lysine, which is basic and polar, with asparagine, which is neutral and polar, at codon 1028 of the BRCA2 protein (p.Lys1028Asn). This variant has not been reported in the literature in individuals affected with BRCA2-related conditions. ClinVar contains an entry for this variant (Variation ID: 483062). Advanced modeling of protein sequence and biophysical properties (such as structural, functional, and spatial information, amino acid conservation, physicochemical variation, residue mobility, and thermodynamic stability) performed at Invitae indicates that this missense variant is not expected to disrupt BRCA2 protein function. In summary, the available evidence is currently insufficient to determine the role of this variant in disease. Therefore, it has been classified as a Variant of Uncertain Significance.

Ambry Genetics
Classification: Uncertain significance for Hereditary cancer-predisposing syndrome. Last evaluated: 2016-11-01. Review status: criteria provided, single submitter. Criteria: Ambry Variant Classification Scheme 2023. Collection method: clinical testing. Allele origin: germline.
Comment: The p.K1028N variant (also known as c.3084A>C), located in coding exon 10 of the BRCA2 gene, results from an A to C substitution at nucleotide position 3084. The lysine at codon 1028 is replaced by asparagine, an amino acid with similar properties. This variant was not reported in population based cohorts in the following databases: Database of Single Nucleotide Polymorphisms (dbSNP), NHLBI Exome Sequencing Project (ESP), and 1000 Genomes Project. In the ESP, this variant was not observed in 6498 samples (12996 alleles) with coverage at this position. To date, this alteration has been detected with an allele frequency of approximately 0.0003% (greater than 300000 alleles tested) in our clinical cohort. This amino acid position is well conserved in available vertebrate species. In addition, the in silico prediction for this alteration is inconclusive. Since supporting evidence is limited at this time, the clinical significance of this alteration remains unclear.

NM_000059.4(BRCA2):c.3084A>C (p.Lys1028Asn)

Gene: BRCA2 (BRCA2 DNA repair associated; plus strand). Cytogenetic location: 13q13.1.
Variant type: single nucleotide variant.
Coding change: c.3084A>C on transcript NM_000059.4 (MANE Select); coding-DNA position 3084, A replaced by C.
Protein change: p.Lys1028Asn; replaces lysine 1028 with asparagine.
Molecular consequence: missense variant.
Genome position (GRCh38, 1-based): chr13:32,337,439, A>C. VCF-style: chr13-32337439-A-C. GRCh37 (hg19) VCF-style: chr13-32911576-A-C.
Other names: short protein forms K1028N.
Identifiers: ClinVar variation 483062 (VCV000483062.19), dbSNP rs1555283043, ClinGen allele CA387775232.